The following is an entry in ClinVar:

NM_001127198.5(TMC6):c.1603G>A (p.Val535Ile)

Gene: TMC6 (transmembrane channel like 6; minus strand). Cytogenetic location: 17q25.3.
Variant type: single nucleotide variant.
Coding change: c.1603G>A on transcript NM_001127198.5 (MANE Select); coding-DNA position 1603, G replaced by A.
Protein change: p.Val535Ile; replaces valine 535 with isoleucine.
Molecular consequence: missense variant. On other transcripts: intron variant (2).
Genome position (GRCh38, 1-based): chr17:78,120,765, C>T on the plus strand (G>A on the coding strand, the complement: TMC6 is on the minus strand). VCF-style: chr17-78120765-C-T. GRCh37 (hg19) VCF-style: chr17-76116846-C-T.
Other names: c.1603G>A, p.Val535Ile (NM_001321185.1, NM_001374596.1, NM_001375353.1 and 2 more transcripts); c.1535+248G>A (NM_001374594.1, NM_001374593.1); short protein forms V535I.
Identifiers: ClinVar variation 962930 (VCV000962930.8), dbSNP rs777395340, ClinGen allele CA8795668.

ClinVar aggregate classification (germline): Uncertain significance (1 of 4 stars; one submission).

Conditions:
Epidermodysplasia verruciformis. Identifiers: Orphanet 302, MedGen C0014522, MONDO:0009176.

Allele frequency attached by ClinVar (database versions not stated): TOPMed 0.00002; gnomAD 0.00003 and 0.00004; gnomAD exomes 0.00004.
gnomAD v4.1: 58 of 1,613,244 alleles (0.0036%); highest among the groups gnomAD compares: African/African-American, 0.012%; no homozygotes.

Submission:

Labcorp Genetics (formerly Invitae), Labcorp
Classification: Uncertain significance for Epidermodysplasia verruciformis. Last evaluated: 2022-10-05. Review status: criteria provided, single submitter. Criteria: Invitae Variant Classification Sherloc (09022015). Collection method: clinical testing. Allele origin: germline.
Comment: This variant has not been reported in the literature in individuals affected with TMC6-related conditions. This variant is present in population databases (rs777395340, gnomAD 0.02%). This sequence change replaces valine, which is neutral and non-polar, with isoleucine, which is neutral and non-polar, at codon 535 of the TMC6 protein (p.Val535Ile). ClinVar contains an entry for this variant (Variation ID: 962930). In summary, the available evidence is currently insufficient to determine the role of this variant in disease. Therefore, it has been classified as a Variant of Uncertain Significance. Algorithms developed to predict the effect of missense changes on protein structure and function are either unavailable or do not agree on the potential impact of this missense change (SIFT: "Not Available"; PolyPhen-2: "Benign"; Align-GVGD: "Not Available").